The following is an entry in ClinVar:

NC_000016.9:g.(?_89833539)_(89833655_?)del

Gene: FANCA (FA complementation group A; minus strand). Cytogenetic location: 16q24.3.
Variant type: Deletion.
Identifiers: ClinVar variation 1071159 (VCV001071159.6).

ClinVar aggregate classification (germline): Pathogenic (1 of 4 stars; one submission).

Conditions:
Fanconi anemia (FA). Also called: Fanconi's anemia. Identifiers: Orphanet 84, MedGen C0015625, MeSH D005199, MONDO:0019391.

Submission:

Labcorp Genetics (formerly Invitae), Labcorp
Classification: Pathogenic for Fanconi anemia. Last evaluated: 2022-05-28. Review status: criteria provided, single submitter. Criteria: Invitae Variant Classification Sherloc (09022015). Collection method: clinical testing. Allele origin: germline.
Comment: This variant is a gross deletion of the genomic region encompassing exon(s) 27 of the FANCA gene. This deletion is out-of-frame, and is expected to create a premature termination codon and result in an absent or disrupted protein product. Loss-of-function variants in FANCA are known to be pathogenic (PMID: 19367192). This variant has not been reported in the literature in individuals affected with FANCA-related conditions. For these reasons, this variant has been classified as Pathogenic.

Literature cited by the submitters: PubMed 19367192.